The following is an entry in ClinVar:

ClinVar aggregate classification (germline): Uncertain significance (1 of 4 stars; one submission).

Submission:

GeneDx
Classification: Uncertain significance. Last evaluated: 2025-03-13. Review status: criteria provided, single submitter. Criteria: GeneDx Variant Classification Process June 2021. Collection method: clinical testing. Allele origin: germline. Affected: yes.
Comment: Not observed at significant frequency in large population cohorts (gnomAD); In silico analysis indicates that this missense variant does not alter protein structure/function; Has not been previously published as pathogenic or benign to our knowledge

NM_001378452.1(ITPR1):c.5428G>C (p.Glu1810Gln)

Gene: ITPR1 (inositol 1,4,5-trisphosphate receptor type 1; plus strand). Cytogenetic location: 3p26.1.
Variant type: single nucleotide variant.
Coding change: c.5428G>C on transcript NM_001378452.1 (MANE Select); coding-DNA position 5428, G replaced by C.
Protein change: p.Glu1810Gln; replaces glutamic acid 1810 with glutamine.
Molecular consequence: missense variant.
Genome position (GRCh38, 1-based): chr3:4,735,238, G>C. VCF-style: chr3-4735238-G-C. GRCh37 (hg19) VCF-style: chr3-4776922-G-C.
Other names: c.5284G>C, p.Glu1762Gln (NM_001099952.4); c.5383G>C, p.Glu1795Gln (NM_001168272.2); c.5239G>C, p.Glu1747Gln (NM_002222.7); short protein forms E1747Q, E1762Q, E1795Q, E1810Q.
Identifiers: ClinVar variation 4083342 (VCV004083342.1).